The following is an entry in ClinVar:

NM_005883.3(APC2):c.796C>A (p.Pro266Thr)

Gene: APC2 (APC regulator of Wnt signaling pathway 2; plus strand). Cytogenetic location: 19p13.3.
Variant type: single nucleotide variant.
Coding change: c.796C>A on transcript NM_005883.3 (MANE Select); coding-DNA position 796, C replaced by A.
Protein change: p.Pro266Thr; replaces proline 266 with threonine.
Molecular consequence: missense variant.
Genome position (GRCh38, 1-based): chr19:1,456,384, C>A. VCF-style: chr19-1456384-C-A. GRCh37 (hg19) VCF-style: chr19-1456383-C-A.
Other names: c.793C>A, p.Pro265Thr (NM_001351273.1); short protein forms P266T, P265T.
Identifiers: ClinVar variation 1033038 (VCV001033038.11), dbSNP rs146579468, ClinGen allele CA9044884.

ClinVar aggregate classification (germline): Uncertain significance. Review status: criteria provided, multiple submitters, no conflicts (2 of 4 stars). 5 submissions from 5 submitters: Uncertain significance (5). Last evaluated 2025-12-26.

Conditions:
Intellectual developmental disorder, autosomal recessive 74 (MRT74). Also called: Sotos syndrome 3. Identifiers: MedGen C4310684, MONDO:0014951, OMIM 617169.
Inborn genetic diseases. Identifiers: MedGen C0950123, MeSH D030342.

Allele frequency attached by ClinVar (database versions not stated): 1000 Genomes Project 0.00020; ESP Exome Variant Server 0.00015; 1000 Genomes Project 30x 0.00016; TOPMed 0.00019.
gnomAD v4.1: 376 of 1,605,614 alleles (0.023%); highest among the groups gnomAD compares: Middle Eastern, 0.34%; 3 homozygotes.

Submissions (5):

Ambry Genetics
Classification: Uncertain significance for Inborn genetic diseases. Last evaluated: 2025-12-26. Review status: criteria provided, single submitter. Criteria: Ambry Variant Classification Scheme 2023. Collection method: clinical testing. Allele origin: germline.
Comment: The c.796C>A (p.P266T) alteration is located in exon 8 (coding exon 7) of the APC2 gene. This alteration results from a C to A substitution at nucleotide position 796, causing the proline (P) at amino acid position 266 to be replaced by a threonine (T). Based on data from gnomAD, the A allele has an overall frequency of 0.019% (49/265230) total alleles studied. The highest observed frequency was 0.088% (6/6838) of Other alleles. Based on insufficient or conflicting evidence, the clinical significance of this alteration remains unclear.

Labcorp Genetics (formerly Invitae), Labcorp
Classification: Uncertain significance. Last evaluated: 2025-06-03. Review status: criteria provided, single submitter. Criteria: Invitae Variant Classification Sherloc (09022015). Collection method: clinical testing. Allele origin: germline.
Comment: This sequence change replaces proline, which is neutral and non-polar, with threonine, which is neutral and polar, at codon 266 of the APC2 protein (p.Pro266Thr). This variant is present in population databases (rs146579468, gnomAD 0.03%). This variant has not been reported in the literature in individuals affected with APC2-related conditions. ClinVar contains an entry for this variant (Variation ID: 1033038). Invitae Evidence Modeling of protein sequence and biophysical properties (such as structural, functional, and spatial information, amino acid conservation, physicochemical variation, residue mobility, and thermodynamic stability) indicates that this missense variant is expected to disrupt APC2 protein function with a positive predictive value of 80%. In summary, the available evidence is currently insufficient to determine the role of this variant in disease. Therefore, it has been classified as a Variant of Uncertain Significance.

Greenwood Genetic Center Diagnostic Laboratories, Greenwood Genetic Center
Classification: Uncertain significance. Last evaluated: 2023-09-26. Review status: criteria provided, single submitter. Criteria: ACMG Guidelines, 2015. Collection method: clinical testing. Allele origin: germline. Affected: yes.
Comment: PM2

Baylor Genetics
Classification: Uncertain significance for Intellectual developmental disorder, autosomal recessive 74. Last evaluated: 2018-01-10. Review status: criteria provided, single submitter. Criteria: ACMG Guidelines, 2015. Collection method: clinical testing. Allele origin: unknown. Affected: yes.
Comment: This variant was determined to be of uncertain significance according to ACMG Guidelines, 2015 [PMID:25741868].

Breakthrough Genomics
Classification: Uncertain significance. Review status: criteria provided, single submitter. Criteria: ACMG Guidelines, 2015. Collection method: not provided. Allele origin: germline. Inheritance: Autosomal recessive inheritance. Affected: yes.